The following is an entry in ClinVar:

ClinVar aggregate classification (germline): Likely benign (1 of 4 stars; one submission).

Conditions:
FLG2-related disorder. Also called: FLG2-related condition.

Submission:

PreventionGenetics, part of Exact Sciences
Classification: Likely benign for FLG2-related condition. Last evaluated: 2026-07-29. Review status: criteria provided, single submitter. Criteria: ACMG Guidelines, 2015. Collection method: clinical testing. Allele origin: germline.
Comment: This variant is classified as likely benign based on ACMG/AMP sequence variant interpretation guidelines (Richards et al. 2015 PMID: 25741868, with internal and published modifications).

NM_001014342.3(FLG2):c.30C>T (p.Thr10=)

Genes: CCDST (cervical cancer associated DHX9 suppressive transcript; plus strand), FLG2 (filaggrin 2; minus strand). Cytogenetic location: 1q21.3.
Variant type: single nucleotide variant.
Coding change: c.30C>T on transcript NM_001014342.3 (MANE Select); coding-DNA position 30, C replaced by T.
Protein change: p.Thr10=; no amino-acid change (threonine 10 retained).
Molecular consequence: synonymous variant.
Genome position (GRCh38, 1-based): chr1:152,358,855, G>A on the plus strand (C>T on the coding strand, the complement: FLG2 is on the minus strand). VCF-style: chr1-152358855-G-A. GRCh37 (hg19) VCF-style: chr1-152331331-G-A.
Identifiers: ClinVar variation 4989328 (VCV004989328.1).